The following is an entry in ClinVar:

ClinVar aggregate classification (germline): Conflicting classifications of pathogenicity. Review status: criteria provided, conflicting classifications (1 of 4 stars). 5 submissions from 5 submitters: Uncertain significance (4); Likely benign (1). Last evaluated 2026-01-27.

Conditions:
Polymicrogyria with optic nerve hypoplasia. Identifiers: Orphanet 250972, MedGen C2750798, MONDO:0013172.

Allele frequency attached by ClinVar (database versions not stated): TOPMed 0.00043; 1000 Genomes Project 30x 0.00016; gnomAD 0.00019; 1000 Genomes Project 0.00020; ESP Exome Variant Server 0.00038.
gnomAD v4.1: 848 of 1,612,708 alleles (0.053%); highest among the groups gnomAD compares: South Asian, 0.056%; no homozygotes.

Submissions (5):

Labcorp Genetics (formerly Invitae), Labcorp
Classification: Likely benign. Last evaluated: 2026-01-27. Review status: criteria provided, single submitter. Criteria: Invitae Variant Classification Sherloc (09022015). Collection method: clinical testing. Allele origin: germline.

GeneDx
Classification: Uncertain significance. Last evaluated: 2024-02-13. Review status: criteria provided, single submitter. Criteria: GeneDx Variant Classification Process June 2021. Collection method: clinical testing. Allele origin: germline. Affected: yes.
Comment: In silico analysis supports that this missense variant has a deleterious effect on protein structure/function; This variant is associated with the following publications: (PMID: 34704371, 34853893, 34662886)

Mayo Clinic Laboratories, Mayo Clinic
Classification: Uncertain significance. Last evaluated: 2023-05-16. Review status: criteria provided, single submitter. Criteria: ACMG Guidelines, 2015. Collection method: clinical testing. Allele origin: germline. Observed: 1 variant allele.
Comment: PP3

Baylor Genetics
Classification: Uncertain significance for CEDNIK syndrome. Last evaluated: 2020-06-02. Review status: criteria provided, single submitter. Criteria: ACMG Guidelines, 2015. Collection method: clinical testing. Allele origin: unknown. Affected: yes.
Comment: This variant was determined to be of uncertain significance according to ACMG Guidelines, 2015 [PMID:25741868].

Genetic Services Laboratory, University of Chicago
Classification: Uncertain significance for Polymicrogyria with optic nerve hypoplasia. Last evaluated: 2012-12-26. Review status: criteria provided, single submitter. Criteria: ACMG Guidelines, 2007. Collection method: clinical testing. Allele origin: germline. Inheritance: Autosomal recessive inheritance.

Literature cited by the submitters: PubMed 34853893 (cited by Mayo Clinic Laboratories, Mayo Clinic).

NM_018943.3(TUBA8):c.958C>T (p.Arg320Trp)

Gene: TUBA8 (tubulin alpha 8; plus strand). Cytogenetic location: 22q11.21.
Variant type: single nucleotide variant.
Coding change: c.958C>T on transcript NM_018943.3 (MANE Select); coding-DNA position 958, C replaced by T.
Protein change: p.Arg320Trp; replaces arginine 320 with tryptophan.
Molecular consequence: missense variant.
Genome position (GRCh38, 1-based): chr22:18,126,936, C>T. VCF-style: chr22-18126936-C-T. GRCh37 (hg19) VCF-style: chr22-18609703-C-T.
Other names: p.Arg320Trp; c.760C>T, p.Arg254Trp (NM_001193414.2); short protein forms R320W, R254W.
Identifiers: ClinVar variation 160175 (VCV000160175.18), dbSNP rs140202346, ClinGen allele CA173775.